The following is an entry in ClinVar:

ClinVar aggregate classification (germline): Uncertain significance (1 of 4 stars; one submission).

Conditions:
Neuropathy, hereditary sensory, type 2C. Also called: KIF1A-Related HSAN2 (HSAN2C); Hereditary sensory and autonomic neuropathy type IIC. Identifiers: Orphanet 970, MedGen C3280168, MONDO:0013634, OMIM 614213.
Intellectual disability, autosomal dominant 9 (NESCAVS). Also called: NESCAV SYNDROME; KIF1A-Related Neurodevelopmental Disorder. Identifiers: Orphanet 662367, MedGen C5393830, MONDO:0013656, OMIM 614255.
Hereditary spastic paraplegia 30. Identifiers: Orphanet 101010, MedGen C5235139, MONDO:0012476.

Submission:

Labcorp Genetics (formerly Invitae), Labcorp
Classification: Uncertain significance for Spastic paraplegia 30, autosomal recessive; Hereditary sensory and autonomic neuropathy type IIC; Mental retardation, autosomal dominant 9. Last evaluated: 2018-12-10. Review status: criteria provided, single submitter. Criteria: Invitae Variant Classification Sherloc (09022015). Collection method: clinical testing. Allele origin: germline.
Comment: This variant results in a copy number gain of the genomic region encompassing exons 14-46 of the KIF1A gene. The 5' boundary is likely confined to intron 13. The 3' end of this event is unknown as it extends beyond the assayed region for this gene and therefore may encompass additional genes. As the precise location of this event is unknown, it may be in tandem or it may be located elsewhere in the genome. This variant has not been reported in the literature in individuals with KIF1A-related disease. Experimental studies are not available for this variant, and the functional significance of a copy number gain of these exons is currently unknown. In summary, the available evidence is currently insufficient to determine the role of this variant in disease. Therefore, it has been classified as a Variant of Uncertain Significance.

NC_000002.11:g.(?_241656771)_(241709133_?)dup

Genes: KIF1A (kinesin family member 1A; minus strand), LOC126806583 (P300/CBP strongly-dependent group 1 enhancer GRCh37_chr2:241678910-241680109; plus strand). Cytogenetic location: 2q37.3.
Variant type: Duplication.
Identifiers: ClinVar variation 656835 (VCV000656835.1).